The following is an entry in ClinVar:

NM_001510.4(GRID2):c.611T>C (p.Ile204Thr)

Gene: GRID2 (glutamate ionotropic receptor delta type subunit 2; plus strand). Cytogenetic location: 4q22.2.
Variant type: single nucleotide variant.
Coding change: c.611T>C on transcript NM_001510.4 (MANE Select); coding-DNA position 611, T replaced by C.
Protein change: p.Ile204Thr; replaces isoleucine 204 with threonine.
Molecular consequence: missense variant.
Genome position (GRCh38, 1-based): chr4:93,110,829, T>C. VCF-style: chr4-93110829-T-C. GRCh37 (hg19) VCF-style: chr4-94031980-T-C.
Other names: c.326T>C, p.Ile109Thr (NM_001286838.1); c.611T>C, p.Ile204Thr (NM_001440459.1); short protein forms I204T, I109T.
Identifiers: ClinVar variation 4839799 (VCV004839799.1).
Genomic context (GRCh38, chr4:93,110,829, plus strand): 5'-TCTTGGACAAAGTCTCTCAGCAGGGAATGGATGTTGCACTTCAGAAGGTAGAAAACAACA[T>C]CAATAAAATGATTACCACTCTCTTTGACACCATGAGAATAGAAGAACTGAATCGCTATCG-3'
Protein context (NP_001501.2, residues 194-214): DVALQKVENN[Ile204Thr]NKMITTLFDT

ClinVar aggregate classification (germline): Uncertain significance (1 of 4 stars; one submission).

Conditions:
Inborn genetic diseases. Identifiers: MedGen C0950123, MeSH D030342.

gnomAD v4.1: 2 of 1,611,570 alleles (0.00012%); highest among the groups gnomAD compares: African/African-American, 0.0013%; no homozygotes.

Submission:

Ambry Genetics
Classification: Uncertain significance for Inborn genetic diseases. Last evaluated: 2026-01-26. Review status: criteria provided, single submitter. Criteria: Ambry Variant Classification Scheme 2023. Collection method: clinical testing. Allele origin: germline.
Comment: The c.611T>C (p.I204T) alteration is located in exon 4 (coding exon 4) of the GRID2 gene. This alteration results from a T to C substitution at nucleotide position 611, causing the isoleucine (I) at amino acid position 204 to be replaced by a threonine (T). Based on data from gnomAD, the C allele has an overall frequency of <0.001% (1/251214) total alleles studied. The highest observed frequency was 0.006% (1/16252) of African alleles. Based on insufficient or conflicting evidence, the clinical significance of this alteration remains unclear.